The following is an entry in ClinVar:

NM_002392.6(MDM2):c.174+18A>G

Gene: MDM2 (MDM2 proto-oncogene; plus strand). Cytogenetic location: 12q15.
Variant type: single nucleotide variant.
Coding change: c.174+18A>G on transcript NM_002392.6 (MANE Select); 18 bases into the intron after coding-DNA position 174, A replaced by G.
Molecular consequence: intron variant.
Genome position (GRCh38, 1-based): chr12:68,813,646, A>G. VCF-style: chr12-68813646-A-G. GRCh37 (hg19) VCF-style: chr12-69207426-A-G.
Other names: c.174+18A>G (NM_001145339.2); c.156+18A>G (NM_001367990.1, NM_001145337.3, NM_001278462.2 and 1 more transcripts).
Identifiers: ClinVar variation 1924439 (VCV001924439.5), dbSNP rs772598655, ClinGen allele CA6678571.

ClinVar aggregate classification (germline): Uncertain significance (1 of 4 stars; one submission).

Conditions:
Accelerated tumor formation, susceptibility to (ACTFS). Identifiers: MedGen C3280690, OMIM 614401, MONDO:0013733.

Allele frequency attached by ClinVar (database versions not stated): gnomAD exomes below 0.00001; ExAC 0.00001; gnomAD 0.00001; TOPMed 0.00001.
gnomAD v4.1: 6 of 1,574,370 alleles (0.00038%); highest among the groups gnomAD compares: East Asian, 0.0045%; no homozygotes.

Submission:

Labcorp Genetics (formerly Invitae), Labcorp
Classification: Uncertain significance for Accelerated tumor formation, susceptibility to. Last evaluated: 2023-04-04. Review status: criteria provided, single submitter. Criteria: Invitae Variant Classification Sherloc (09022015). Collection method: clinical testing. Allele origin: germline.
Comment: In summary, the available evidence is currently insufficient to determine the role of this variant in disease. Therefore, it has been classified as a Variant of Uncertain Significance. Algorithms developed to predict the effect of sequence changes on RNA splicing suggest that this variant may create or strengthen a splice site. ClinVar contains an entry for this variant (Variation ID: 1924439). This variant has not been reported in the literature in individuals affected with MDM2-related conditions. This variant is present in population databases (rs772598655, gnomAD 0.007%). This sequence change falls in intron 3 of the MDM2 gene. It does not directly change the encoded amino acid sequence of the MDM2 protein.